The following is an entry in ClinVar:

ClinVar aggregate classification (germline): Pathogenic (1 of 4 stars; one submission).

Conditions:
Jeune thoracic dystrophy. Also called: Jeune syndrome; Infantile thoracic dystrophy; Thoracic pelvic phalangeal dystrophy; Jeune's syndrome; Chondroectodermal dysplasia-like syndrome; Short-rib thoracic dysplasia. Identifiers: Orphanet 474, MedGen C0265275, MONDO:0018770.

Submission:

Labcorp Genetics (formerly Invitae), Labcorp
Classification: Pathogenic for Jeune thoracic dystrophy. Last evaluated: 2024-01-18. Review status: criteria provided, single submitter. Criteria: Invitae Variant Classification Sherloc (09022015). Collection method: clinical testing. Allele origin: germline.
Comment: This sequence change creates a premature translational stop signal (p.Pro3973Serfs*20) in the DYNC2H1 gene. It is expected to result in an absent or disrupted protein product. Loss-of-function variants in DYNC2H1 are known to be pathogenic (PMID: 23339108, 32753734, 33755199). This variant is not present in population databases (gnomAD no frequency). This variant has not been reported in the literature in individuals affected with DYNC2H1-related conditions. For these reasons, this variant has been classified as Pathogenic.

Literature cited by the submitters: PubMed 23339108; PubMed 32753734; PubMed 33755199.

NM_001377.3(DYNC2H1):c.11895dup (p.Pro3966fs)

Gene: DYNC2H1 (dynein cytoplasmic 2 heavy chain 1; plus strand). Cytogenetic location: 11q22.3.
Variant type: Duplication.
Coding change: c.11895dup on transcript NM_001377.3 (MANE Select); coding-DNA position 11895, one base duplicated (T; older notation c.11895dupT).
Protein change: p.Pro3966fs; shifts the reading frame from proline 3966.
Molecular consequence: frameshift variant.
Genome position (GRCh38, 1-based): chr11:103,321,198, T duplicated; the last of 5 consecutive T bases (chr11:103,321,194-103,321,198); duplicating any one gives the same sequence. VCF-style (leftmost placement, unchanged base first): chr11-103321193-A-AT. GRCh37 (hg19) VCF-style: chr11-103191922-A-AT.
Other names: c.11916dup, p.Pro3973fs (NM_001080463.2); short protein forms P3966fs, P3973fs.
Identifiers: ClinVar variation 2995599 (VCV002995599.3), dbSNP rs1310779676, ClinGen allele CA670991249.